The following is an entry in ClinVar:

NM_001267550.2(TTN):c.90536G>A (p.Arg30179His)

Genes: TTN (titin; minus strand), TTN-AS1 (TTN antisense RNA 1; plus strand). Cytogenetic location: 2q31.2.
Variant type: single nucleotide variant.
Coding change: c.90536G>A on transcript NM_001267550.2 (MANE Select); coding-DNA position 90536, G replaced by A.
Protein change: p.Arg30179His; replaces arginine 30179 with histidine.
Molecular consequence: missense variant.
Genome position (GRCh38, 1-based): chr2:178,552,364, C>T on the plus strand (G>A on the coding strand, the complement: TTN is on the minus strand). VCF-style: chr2-178552364-C-T. GRCh37 (hg19) VCF-style: chr2-179417091-C-T.
Other names: p.R28538H:CGC>CAC; p.Arg28538His; c.85613G>A, p.Arg28538His (NM_001256850.1); c.63341G>A, p.Arg21114His (NM_003319.4); c.82832G>A, p.Arg27611His (NM_133378.4); c.63716G>A, p.Arg21239His (NM_133432.3); c.63917G>A, p.Arg21306His (NM_133437.4); short protein forms R30179H, R27611H, R28538H, R21114H, R21306H, R21239H.
Identifiers: ClinVar variation 47497 (VCV000047497.67), dbSNP rs149567378, ClinGen allele CA141188.

ClinVar aggregate classification (germline): Conflicting classifications of pathogenicity. Review status: criteria provided, conflicting classifications (1 of 4 stars). 25 submissions from 21 submitters: Uncertain significance (1); Benign (14); Likely benign (5). 5 of the submissions do not count toward it. Last evaluated 2026-09-01.

Conditions:
Cardiovascular phenotype. Identifiers: MedGen CN230736.
Dilated cardiomyopathy 1G (CMD1G). Identifiers: Orphanet 154, MedGen C1858763, MONDO:0011400, OMIM 604145.
Autosomal recessive limb-girdle muscular dystrophy type 2J (LGMDR10). Also called: MUSCULAR DYSTROPHY, LIMB-GIRDLE, AUTOSOMAL RECESSIVE 10; Limb-girdle muscular dystrophy, type 2J. Identifiers: Orphanet 140922, MedGen C1837342, MONDO:0012127, OMIM 608807.
Cardiomyopathy (CMYO). Also called: Cardiomyopathies. Identifiers: Orphanet 167848, MedGen C0878544, MONDO:0004994, HP:0001638. Inheritance: Various modes of inheritance.
Early-onset myopathy with fatal cardiomyopathy (CMYO5). Also called: CONGENITAL MYOPATHY 5 WITH CARDIOMYOPATHY; Salih Myopathy. Identifiers: Orphanet 289377, MedGen C2673677, MONDO:0012714, OMIM 611705. Disease mechanism: loss of function.
Myopathy, myofibrillar, 9, with early respiratory failure (MFM9). Also called: Myopathy, distal, with early respiratory failure, autosomal dominant; Hereditary myopathy with early respiratory failure; MYOPATHY, PROXIMAL, WITH EARLY RESPIRATORY MUSCLE INVOLVEMENT; EDSTROM MYOPATHY. Identifiers: Orphanet 178464, Orphanet 34521, MedGen C1863599, MONDO:0011362, OMIM 603689.
Tibial muscular dystrophy (TMD). Also called: Udd Distal Myopathy – Tibial Muscular Dystrophy; Tibial muscular dystrophy, tardive; UDD MYOPATHY. Identifiers: Orphanet 609, MedGen C1838244, MONDO:0010870, OMIM 600334.
Primary dilated cardiomyopathy (DCM). Also called: Dilated Cardiomyopathy. Identifiers: Orphanet 217604, MedGen C0007193, MeSH D002311, MONDO:0005021, HP:0001644. Inheritance: Various modes of inheritance.

Allele frequency attached by ClinVar (database versions not stated): ExAC 0.00411; 1000 Genomes Project 30x 0.00609; gnomAD 0.00113 and 0.00186; ESP Exome Variant Server 0.00150; 1000 Genomes Project 0.00619; TOPMed 0.00100.
gnomAD v4.1: 3,455 of 1,592,798 alleles (0.22%); highest among the groups gnomAD compares: South Asian, 2.1%; 52 homozygotes.

Submissions (25):

CeGaT Center for Human Genetics Tuebingen
Classification: Benign. Last evaluated: 2026-09-01. Review status: criteria provided, single submitter. Criteria: CeGaT Center For Human Genetics Tuebingen Variant Classification Criteria Version 2. Collection method: clinical testing. Allele origin: germline. Affected: yes. Observed: 18 variant alleles.
Comment: TTN: BS1, BS2

Labcorp Genetics (formerly Invitae), Labcorp
Classification: Benign for Dilated cardiomyopathy 1G; Autosomal recessive limb-girdle muscular dystrophy type 2J. Last evaluated: 2026-02-03. Review status: criteria provided, single submitter. Criteria: Invitae Variant Classification Sherloc (09022015). Collection method: clinical testing. Allele origin: germline.

ARUP Laboratories, Molecular Genetics and Genomics, ARUP Laboratories
Classification: Benign. Last evaluated: 2025-06-23. Review status: criteria provided, single submitter. Criteria: ARUP Molecular Germline Variant Investigation Process 2024. Collection method: clinical testing. Allele origin: germline.

Molecular Diagnostic Laboratory for Inherited Cardiovascular Disease, Montreal Heart Institute
Classification: Benign. Last evaluated: 2025-04-09. Review status: criteria provided, single submitter. Criteria: ACMG Guidelines, 2015. Collection method: clinical testing. Allele origin: germline. Affected: no.

Athena Diagnostics
Classification: Benign. Last evaluated: 2025-01-21. Review status: criteria provided, single submitter. Criteria: Athena Diagnostics Criteria. Collection method: clinical testing. Allele origin: unknown.
Comment: The frequency of this variant in the general population is higher than would generally be expected for pathogenic variants in this gene.

Mayo Clinic Laboratories, Mayo Clinic
Classification: Benign. Last evaluated: 2023-06-16. Review status: criteria provided, single submitter. Criteria: ACMG Guidelines, 2015. Collection method: clinical testing. Allele origin: germline. Observed: 8 variant alleles.
Comment: BS1, BS2

Women's Health and Genetics/Laboratory Corporation of America, LabCorp
Classification: Likely benign. Last evaluated: 2020-01-06. Review status: criteria provided, single submitter. Criteria: LabCorp Variant Classification Summary - May 2015. Collection method: clinical testing. Allele origin: germline.

CHEO Genetics Diagnostic Laboratory, Children's Hospital of Eastern Ontario
Classification: Benign for Cardiomyopathy. Last evaluated: 2019-05-30. Review status: criteria provided, single submitter. Criteria: ACMG Guidelines, 2015. Collection method: clinical testing. Allele origin: germline.

Illumina Laboratory Services, Illumina
Classification: Likely benign for Autosomal recessive limb-girdle muscular dystrophy type 2J. Last evaluated: 2018-01-13. Review status: criteria provided, single submitter. Criteria: ICSL Variant Classification Criteria 13 December 2019. Collection method: clinical testing. Allele origin: germline.
Comment: This variant was observed in the ICSL laboratory as part of a predisposition screen in an ostensibly healthy population. It had not been previously curated by ICSL or reported in the Human Gene Mutation Database (HGMD: prior to June 1st, 2018), and was therefore a candidate for classification through an automated scoring system. Utilizing variant allele frequency, disease prevalence and penetrance estimates, and inheritance mode, an automated score was calculated to assess if this variant is too frequent to cause the disease. Based on the score and internal cut-off values, a variant classified as likely benign is not then subjected to further curation. The score for this variant resulted in a classification of likely benign for this disease.

Illumina Laboratory Services, Illumina
Classification: Likely benign for Early-onset myopathy with fatal cardiomyopathy. Last evaluated: 2018-01-13. Review status: criteria provided, single submitter. Criteria: ICSL Variant Classification Criteria 13 December 2019. Collection method: clinical testing. Allele origin: germline.
Comment: the same text as in the submission from Illumina Laboratory Services, Illumina above.

Illumina Laboratory Services, Illumina
Classification: Likely benign for Dilated cardiomyopathy 1G. Last evaluated: 2018-01-13. Review status: criteria provided, single submitter. Criteria: ICSL Variant Classification Criteria 13 December 2019. Collection method: clinical testing. Allele origin: germline.
Comment: the same text as in the submission from Illumina Laboratory Services, Illumina above.

Illumina Laboratory Services, Illumina
Classification: Benign for Myopathy, myofibrillar, 9, with early respiratory failure. Last evaluated: 2018-01-13. Review status: criteria provided, single submitter. Criteria: ICSL Variant Classification Criteria 13 December 2019. Collection method: clinical testing. Allele origin: germline.
Comment: This variant was observed in the ICSL laboratory as part of a predisposition screen in an ostensibly healthy population. It had not been previously curated by ICSL or reported in the Human Gene Mutation Database (HGMD: prior to June 1st, 2018), and was therefore a candidate for classification through an automated scoring system. Utilizing variant allele frequency, disease prevalence and penetrance estimates, and inheritance mode, an automated score was calculated to assess if this variant is too frequent to cause the disease. Based on the score and internal cut-off values, a variant classified as benign is not then subjected to further curation. The score for this variant resulted in a classification of benign for this disease.

Illumina Laboratory Services, Illumina
Classification: Benign for Tibial muscular dystrophy. Last evaluated: 2018-01-13. Review status: criteria provided, single submitter. Criteria: ICSL Variant Classification Criteria 13 December 2019. Collection method: clinical testing. Allele origin: germline.
Comment: the same text as in the submission from Illumina Laboratory Services, Illumina above.

Center for Advanced Laboratory Medicine, UC San Diego Health, University of California San Diego
Classification: Benign for Dilated cardiomyopathy. Last evaluated: 2017-02-28. Review status: criteria provided, single submitter. Criteria: ACMG Guidelines, 2015. Collection method: clinical testing. Allele origin: germline. Affected: yes. Observed: 1 variant allele.

GeneDx
Classification: Benign. Last evaluated: 2016-10-19. Review status: criteria provided, single submitter. Criteria: GeneDx Variant Classification (06012015). Collection method: clinical testing. Allele origin: germline. Affected: yes.
Comment: This variant is considered likely benign or benign based on one or more of the following criteria: it is a conservative change, it occurs at a poorly conserved position in the protein, it is predicted to be benign by multiple in silico algorithms, and/or has population frequency not consistent with disease.

Ambry Genetics
Classification: Benign for Cardiovascular phenotype. Last evaluated: 2016-01-06. Review status: criteria provided, single submitter. Criteria: Ambry Variant Classification Scheme 2023. Collection method: clinical testing. Allele origin: germline.

Laboratory for Molecular Medicine, Mass General Brigham Personalized Medicine
Classification: Benign. Last evaluated: 2015-02-25. Review status: criteria provided, single submitter. Criteria: LMM Criteria. Collection method: clinical testing. Allele origin: germline. Observed: 15 variant alleles.
Comment: p.Arg27611His in exon 284 of TTN: This variant is not expected to have clinical significance because it has been identified in 2.6% (338/12760) of South Asian c hromosomes by the Exome Aggregation Consortium (ExAC .org; dbSNP rs149567378).

Eurofins Ntd Llc (ga)
Classification: Benign. Last evaluated: 2015-02-09. Review status: criteria provided, single submitter. Criteria: EGL Classification Definitions 2015. Collection method: clinical testing. Allele origin: germline. Observed: 2 variant alleles, 2 heterozygotes.

Genetic Services Laboratory, University of Chicago
Classification: Uncertain significance. Last evaluated: 2014-03-17. Review status: criteria provided, single submitter. Criteria: ACMG Guidelines, 2007. Collection method: clinical testing. Allele origin: germline.

Biesecker Lab/Clinical Genomics Section, National Institutes of Health
Classification: Likely benign. Last evaluated: 2013-06-24. Review status: criteria provided, single submitter. Criteria: Ng et al. (Circ Cardiovasc Genet. 2013). Collection method: research. Allele origin: unknown. Observed: 3 variant alleles. Study: ClinSeq.
Comment: The study set was not selected for affection status in relation to any cancer. Pathogenicity categories were based on literature curation. See Pubmed ID:23861362 for details.

Medical sequencing

Clinical Genetics DNA and cytogenetics Diagnostics Lab, Erasmus MC, Erasmus Medical Center
Classification: Likely benign. Review status: no assertion criteria provided. Collection method: clinical testing. Allele origin: germline. Affected: yes. Study: VKGL Data-share Consensus. Not counted in ClinVar's aggregate classification.

Clinical Genetics, Academic Medical Center
Classification: Benign. Review status: no assertion criteria provided. Collection method: clinical testing. Allele origin: germline. Affected: yes. Study: VKGL Data-share Consensus. Not counted in ClinVar's aggregate classification.

Diagnostic Laboratory, Department of Genetics, University Medical Center Groningen
Classification: Likely benign. Review status: no assertion criteria provided. Collection method: clinical testing. Allele origin: germline. Affected: yes. Study: VKGL Data-share Consensus. Not counted in ClinVar's aggregate classification.

Joint Genome Diagnostic Labs from Nijmegen and Maastricht, Radboudumc and MUMC+
Classification: Benign. Review status: no assertion criteria provided. Collection method: clinical testing. Allele origin: germline. Affected: yes. Study: VKGL Data-share Consensus. Not counted in ClinVar's aggregate classification.

Laboratory of Diagnostic Genome Analysis, Leiden University Medical Center (LUMC)
Classification: Likely benign. Review status: no assertion criteria provided. Collection method: clinical testing. Allele origin: germline. Affected: yes. Study: VKGL Data-share Consensus. Not counted in ClinVar's aggregate classification.

Literature cited by the submitters: PubMed 23861362 (cited by Athena Diagnostics); PubMed 24503780 (cited by Athena Diagnostics); PubMed 17344846 (cited by Athena Diagnostics).